The following is an entry in ClinVar:

NM_002485.5(NBN):c.1133G>C (p.Ser378Thr)

Gene: NBN (nibrin; minus strand). Cytogenetic location: 8q21.3.
Variant type: single nucleotide variant.
Coding change: c.1133G>C on transcript NM_002485.5 (MANE Select); coding-DNA position 1133, G replaced by C.
Protein change: p.Ser378Thr; replaces serine 378 with threonine.
Molecular consequence: missense variant.
Genome position (GRCh38, 1-based): chr8:89,955,547, C>G on the plus strand (G>C on the coding strand, the complement: NBN is on the minus strand). VCF-style: chr8-89955547-C-G. GRCh37 (hg19) VCF-style: chr8-90967775-C-G.
Other names: c.887G>C, p.Ser296Thr (NM_001024688.3); short protein forms S378T, S296T.
Identifiers: ClinVar variation 219501 (VCV000219501.19), dbSNP rs864622123, ClinGen allele CA350106.

ClinVar aggregate classification (germline): Uncertain significance. Review status: criteria provided, multiple submitters, no conflicts (2 of 4 stars). 3 submissions from 3 submitters: Uncertain significance (3). Last evaluated 2025-06-13.

Conditions:
Hereditary cancer-predisposing syndrome. Also called: Tumor predisposition; Hereditary Cancer Syndrome; Neoplastic Syndromes, Hereditary; Hereditary neoplastic syndrome. Identifiers: Orphanet 140162, MedGen C0027672, MeSH D009386, MONDO:0015356.
Microcephaly, normal intelligence and immunodeficiency (NBS). Also called: Nijmegen breakage syndrome; Microcephaly with normal intelligence immunodeficiency and lymphoreticular malignancies; Nonsyndromal microcephaly autosomal recessive with normal intelligence; Seemanova syndrome 2; BERLIN BREAKAGE SYNDROME; IMMUNODEFICIENCY, MICROCEPHALY, AND CHROMOSOMAL INSTABILITY. Identifiers: Orphanet 647, MedGen C0398791, MONDO:0009623, OMIM 251260.

Submissions (3):

Ambry Genetics
Classification: Uncertain significance for Hereditary cancer-predisposing syndrome. Last evaluated: 2025-06-13. Review status: criteria provided, single submitter. Criteria: Ambry Variant Classification Scheme 2023. Collection method: clinical testing. Allele origin: germline.
Comment: The p.S378T variant (also known as c.1133G>C), located in coding exon 10 of the NBN gene, results from a G to C substitution at nucleotide position 1133. The serine at codon 378 is replaced by threonine, an amino acid with similar properties. This amino acid position is well conserved in available vertebrate species. In addition, this alteration is predicted to be tolerated by in silico analysis. Since supporting evidence is limited at this time, the clinical significance of this alteration remains unclear.

Labcorp Genetics (formerly Invitae), Labcorp
Classification: Uncertain significance for Microcephaly, normal intelligence and immunodeficiency. Last evaluated: 2022-08-16. Review status: criteria provided, single submitter. Criteria: Invitae Variant Classification Sherloc (09022015). Collection method: clinical testing. Allele origin: germline.
Comment: Algorithms developed to predict the effect of missense changes on protein structure and function (SIFT, PolyPhen-2, Align-GVGD) all suggest that this variant is likely to be tolerated. ClinVar contains an entry for this variant (Variation ID: 219501). This variant has not been reported in the literature in individuals affected with NBN-related conditions. This variant is not present in population databases (gnomAD no frequency). This sequence change replaces serine, which is neutral and polar, with threonine, which is neutral and polar, at codon 378 of the NBN protein (p.Ser378Thr). In summary, the available evidence is currently insufficient to determine the role of this variant in disease. Therefore, it has been classified as a Variant of Uncertain Significance.

Genome-Nilou Lab
Classification: Uncertain significance for Microcephaly, normal intelligence and immunodeficiency. Last evaluated: 2021-11-07. Review status: criteria provided, single submitter. Criteria: ACMG Guidelines, 2015. Collection method: clinical testing. Allele origin: germline. Affected: no.